The following is an entry in ClinVar:

NM_001868.4(CPA1):c.611C>A (p.Ala204Glu)

Gene: CPA1 (carboxypeptidase A1; plus strand). Cytogenetic location: 7q32.2.
Variant type: single nucleotide variant.
Coding change: c.611C>A on transcript NM_001868.4 (MANE Select); coding-DNA position 611, C replaced by A.
Protein change: p.Ala204Glu; replaces alanine 204 with glutamic acid.
Molecular consequence: missense variant.
Genome position (GRCh38, 1-based): chr7:130,383,709, C>A. VCF-style: chr7-130383709-C-A. GRCh37 (hg19) VCF-style: chr7-130023550-C-A.
Other names: short protein forms A204E.
Identifiers: ClinVar variation 1751714 (VCV001751714.2), dbSNP rs2536008711, ClinGen allele CA369282686.

ClinVar aggregate classification (germline): Uncertain significance (1 of 4 stars; one submission).

Conditions:
Hereditary pancreatitis (PCTT). Also called: Hereditary chronic pancreatitis; PRSS1-Related Hereditary Pancreatitis. Identifiers: Orphanet 676, MedGen C0238339, MONDO:0008185, OMIM 167800.

Submission:

Ambry Genetics
Classification: Uncertain significance for Hereditary pancreatitis. Last evaluated: 2021-12-08. Review status: criteria provided, single submitter. Criteria: Ambry Variant Classification Scheme 2023. Collection method: clinical testing. Allele origin: germline.
Comment: The p.A204E variant (also known as c.611C>A), located in coding exon 6 of the CPA1 gene, results from a C to A substitution at nucleotide position 611. The alanine at codon 204 is replaced by glutamic acid, an amino acid with dissimilar properties. This amino acid position is conserved. In addition, this alteration is predicted to be tolerated by in silico analysis. Since supporting evidence is limited at this time, the clinical significance of this alteration remains unclear.